The following is an entry in ClinVar:

NM_001378454.1(ALMS1):c.1336A>C (p.Lys446Gln)

Gene: ALMS1 (ALMS1 centrosome and basal body associated protein; plus strand). Cytogenetic location: 2p13.1.
Variant type: single nucleotide variant.
Coding change: c.1336A>C on transcript NM_001378454.1 (MANE Select); coding-DNA position 1336, A replaced by C.
Protein change: p.Lys446Gln; replaces lysine 446 with glutamine.
Molecular consequence: missense variant.
Genome position (GRCh38, 1-based): chr2:73,426,551, A>C. VCF-style: chr2-73426551-A-C. GRCh37 (hg19) VCF-style: chr2-73653679-A-C.
Other names: c.1339A>C, p.Lys447Gln (NM_015120.4); short protein forms K447Q, K446Q.
Identifiers: ClinVar variation 1927248 (VCV001927248.3), dbSNP rs2466053151, ClinGen allele CA347262020.

ClinVar aggregate classification (germline): Uncertain significance (1 of 4 stars; one submission).

Conditions:
Alstrom syndrome (ALMS). Identifiers: Orphanet 64, MedGen C0268425, MONDO:0008763, OMIM 203800.

Allele frequency attached by ClinVar (database versions not stated): gnomAD exomes below 0.00001.
gnomAD v4.1: 1 of 1,613,634 alleles (0.000062%); highest among the groups gnomAD compares: Non-Finnish European, 0.000085%; no homozygotes.

Submission:

Labcorp Genetics (formerly Invitae), Labcorp
Classification: Uncertain significance for Alstrom syndrome. Last evaluated: 2022-02-19. Review status: criteria provided, single submitter. Criteria: Invitae Variant Classification Sherloc (09022015). Collection method: clinical testing. Allele origin: germline.
Comment: This sequence change replaces lysine, which is basic and polar, with glutamine, which is neutral and polar, at codon 447 of the ALMS1 protein (p.Lys447Gln). In summary, the available evidence is currently insufficient to determine the role of this variant in disease. Therefore, it has been classified as a Variant of Uncertain Significance. Experimental studies and prediction algorithms are not available or were not evaluated, and the functional significance of this variant is currently unknown. This variant has not been reported in the literature in individuals affected with ALMS1-related conditions. This variant is not present in population databases (gnomAD no frequency).